The following is an entry in ClinVar:

NM_004360.5(CDH1):c.1617T>C (p.Thr539=)

Gene: CDH1 (cadherin 1; plus strand). Cytogenetic location: 16q22.1.
Variant type: single nucleotide variant.
Coding change: c.1617T>C on transcript NM_004360.5 (MANE Select); coding-DNA position 1617, T replaced by C.
Protein change: p.Thr539=; no amino-acid change (threonine 539 retained).
Molecular consequence: synonymous variant. On other transcripts: intron variant (1).
Genome position (GRCh38, 1-based): chr16:68,819,331, T>C. VCF-style: chr16-68819331-T-C. GRCh37 (hg19) VCF-style: chr16-68853234-T-C.
Other names: c.1434T>C, p.Thr478= (NM_001317184.2); c.69T>C, p.Thr23= (NM_001317185.2); c.-254-2670T>C (NM_001317186.2).
Identifiers: ClinVar variation 765271 (VCV000765271.12), dbSNP rs1596960438, ClinGen allele CA496154349.

ClinVar aggregate classification (germline): Benign/Likely benign. Review status: criteria provided, multiple submitters, no conflicts (2 of 4 stars). 3 submissions from 3 submitters: Benign (1); Likely benign (2). Last evaluated 2024-11-04.

Conditions:
Hereditary cancer-predisposing syndrome. Also called: Tumor predisposition; Hereditary Cancer Syndrome; Neoplastic Syndromes, Hereditary; Hereditary neoplastic syndrome. Identifiers: Orphanet 140162, MedGen C0027672, MeSH D009386, MONDO:0015356.
Hereditary diffuse gastric adenocarcinoma (HDGC). Also called: DIFFUSE GASTRIC AND LOBULAR BREAST CANCER SYNDROME. Identifiers: Orphanet 26106, MedGen C1708349, MONDO:0007648, OMIM 137215.

Allele frequency attached by ClinVar (database versions not stated): gnomAD 0.00001.
gnomAD v4.1: 1 of 1,614,016 alleles (0.000062%); highest among the groups gnomAD compares: Non-Finnish European, 0.000085%; no homozygotes.

Submissions (3):

Labcorp Genetics (formerly Invitae), Labcorp
Classification: Likely benign for Hereditary diffuse gastric adenocarcinoma. Last evaluated: 2024-11-04. Review status: criteria provided, single submitter. Criteria: Invitae Variant Classification Sherloc (09022015). Collection method: clinical testing. Allele origin: germline.

Myriad Genetics, Inc.
Classification: Benign for Hereditary diffuse gastric adenocarcinoma. Last evaluated: 2024-09-19. Review status: criteria provided, single submitter. Criteria: Myriad Autosomal Dominant, Autosomal Recessive and X-Linked Classification Criteria (2023). Collection method: clinical testing. Allele origin: unknown.
Comment: This variant is considered benign. This variant is a silent/synonymous amino acid change and it is not expected to impact splicing.

Ambry Genetics
Classification: Likely benign for Hereditary cancer-predisposing syndrome. Last evaluated: 2022-06-11. Review status: criteria provided, single submitter. Criteria: Ambry Variant Classification Scheme 2023. Collection method: clinical testing. Allele origin: germline.